The following is an entry in ClinVar:

ClinVar aggregate classification (germline): Uncertain significance (1 of 4 stars; one submission).

Submission:

Labcorp Genetics (formerly Invitae), Labcorp
Classification: Uncertain significance. Last evaluated: 2025-04-28. Review status: criteria provided, single submitter. Criteria: Invitae Variant Classification Sherloc (09022015). Collection method: clinical testing. Allele origin: germline.
Comment: This sequence change is expected to alter the c-terminus of the DMP1 protein (p.Ile501Leufs*31). While this is not anticipated to result in nonsense mediated decay, it is expected to disrupt the last 13 amino acid(s) of the DMP1 protein and extend the protein by 17 additional amino acid residues. This variant is present in population databases (rs781354531, gnomAD 0.04%). This variant has not been reported in the literature in individuals affected with DMP1-related conditions. ClinVar contains an entry for this variant (Variation ID: 3692121). Experimental studies and prediction algorithms are not available or were not evaluated, and the functional significance of this variant is currently unknown. In summary, the available evidence is currently insufficient to determine the role of this variant in disease. Therefore, it has been classified as a Variant of Uncertain Significance.

NM_004407.4(DMP1):c.1500del (p.Ile501fs)

Genes: DMP1 (dentin matrix acidic phosphoprotein 1; plus strand), DMP1-AS1 (DMP1 and DSPP antisense RNA 1; minus strand). Cytogenetic location: 4q22.1.
Variant type: Deletion.
Coding change: c.1500del on transcript NM_004407.4 (MANE Select); coding-DNA position 1500, one base deleted (C; older notation c.1500delC).
Protein change: p.Ile501fs; shifts the reading frame from isoleucine 501.
Molecular consequence: frameshift variant.
Genome position (GRCh38, 1-based): chr4:87,663,278, C deleted; the last of 3 consecutive C bases (chr4:87,663,276-87,663,278); deleting any one gives the same sequence. VCF-style (leftmost placement, unchanged base first): chr4-87663275-AC-A. GRCh37 (hg19) VCF-style: chr4-88584427-AC-A.
Other names: c.1452del, p.Ile485fs (NM_001079911.3); short protein forms I485fs, I501fs.
Identifiers: ClinVar variation 3692121 (VCV003692121.2).